The following is an entry in ClinVar:

ClinVar aggregate classification (germline): Uncertain significance. Review status: criteria provided, multiple submitters, no conflicts (2 of 4 stars). 2 submissions from 2 submitters: Uncertain significance (2). Last evaluated 2023-11-23.

Conditions:
Familial encephalopathy with neuroserpin inclusion bodies. Also called: ENCEPHALOPATHY, FAMILIAL, WITH COLLINS BODIES. Identifiers: Orphanet 85110, MedGen C1858680, MONDO:0011412, OMIM 604218.

Allele frequency attached by ClinVar (database versions not stated): gnomAD exomes below 0.00001; gnomAD 0.00001; TOPMed 0.00001.
gnomAD v4.1: 3 of 1,613,690 alleles (0.00019%); highest among the groups gnomAD compares: Non-Finnish European, 0.00025%; no homozygotes.

Submissions (2):

Human Genetics Bochum, Ruhr University Bochum
Classification: Uncertain significance for Familial encephalopathy with neuroserpin inclusion bodies. Last evaluated: 2023-11-23. Review status: criteria provided, single submitter. Criteria: ACMG Guidelines, 2015. Collection method: clinical testing. Allele origin: germline. Affected: yes.
Comment: ACMG criteria used to clasify this variant: PP3_STR, PM2_SUP

Labcorp Genetics (formerly Invitae), Labcorp
Classification: Uncertain significance for Familial encephalopathy with neuroserpin inclusion bodies. Last evaluated: 2022-04-16. Review status: criteria provided, single submitter. Criteria: Invitae Variant Classification Sherloc (09022015). Collection method: clinical testing. Allele origin: germline.
Comment: In summary, the available evidence is currently insufficient to determine the role of this variant in disease. Therefore, it has been classified as a Variant of Uncertain Significance. Advanced modeling of protein sequence and biophysical properties (such as structural, functional, and spatial information, amino acid conservation, physicochemical variation, residue mobility, and thermodynamic stability) performed at Invitae indicates that this missense variant is expected to disrupt SERPINI1 protein function. This variant has not been reported in the literature in individuals affected with SERPINI1-related conditions. This variant is not present in population databases (gnomAD no frequency). This sequence change replaces tyrosine, which is neutral and polar, with cysteine, which is neutral and slightly polar, at codon 185 of the SERPINI1 protein (p.Tyr185Cys).

NM_001122752.2(SERPINI1):c.554A>G (p.Tyr185Cys)

Gene: SERPINI1 (serpin family I member 1; plus strand). Cytogenetic location: 3q26.1.
Variant type: single nucleotide variant.
Coding change: c.554A>G on transcript NM_001122752.2 (MANE Select); coding-DNA position 554, A replaced by G.
Protein change: p.Tyr185Cys; replaces tyrosine 185 with cysteine.
Molecular consequence: missense variant.
Genome position (GRCh38, 1-based): chr3:167,792,662, A>G. VCF-style: chr3-167792662-A-G. GRCh37 (hg19) VCF-style: chr3-167510450-A-G.
Other names: c.554A>G, p.Tyr185Cys (NM_005025.5); short protein forms Y185C.
Identifiers: ClinVar variation 2169254 (VCV002169254.5), dbSNP rs1448356396, ClinGen allele CA355156583.